The following is an entry in ClinVar:

NM_001376.5(DYNC1H1):c.7938dup (p.Gly2647fs)

Gene: DYNC1H1 (dynein cytoplasmic 1 heavy chain 1; plus strand). Cytogenetic location: 14q32.31.
Variant type: Duplication.
Coding change: c.7938dup on transcript NM_001376.5 (MANE Select); coding-DNA position 7938, one base duplicated (T; older notation c.7938dupT).
Protein change: p.Gly2647fs; shifts the reading frame from glycine 2647.
Molecular consequence: frameshift variant.
Genome position (GRCh38, 1-based): chr14:102,017,177, T duplicated. VCF-style (leftmost placement, unchanged base first): chr14-102017176-A-AT. GRCh37 (hg19) VCF-style: chr14-102483513-A-AT.
Other names: p.Gly2647Trpfs*18; short protein forms G2647fs.
Identifiers: ClinVar variation 4532258 (VCV004532258.2).

ClinVar aggregate classification (germline): Conflicting classifications of pathogenicity. Review status: criteria provided, conflicting classifications (1 of 4 stars). 2 submissions from 2 submitters: Likely pathogenic (1); Uncertain significance (1). Last evaluated 2025-11-27.

Conditions:
Charcot-Marie-Tooth disease axonal type 2O. Also called: CHARCOT-MARIE-TOOTH NEUROPATHY, AXONAL, TYPE 2O; CHARCOT-MARIE-TOOTH DISEASE, AXONAL, AUTOSOMAL DOMINANT, TYPE 2O; Charcot-Marie-Tooth Neuropathy Type 2O; Charcot-Marie-Tooth disease, axonal, type 20. Identifiers: Orphanet 284232, MedGen C3280220, MONDO:0013644, OMIM 614228.
DYNC1H1-related disorder. Also called: DYNC1H1-related condition; DYNC1H1-related disorders. Identifiers: MedGen CN381529.

Submissions (2):

Department of Molecular Genetics, Istishari Arab Hospital
Classification: Uncertain significance for Charcot-Marie-Tooth disease axonal type 2O. Last evaluated: 2025-11-27. Review status: criteria provided, single submitter. Criteria: ACMG Guidelines, 2015. Collection method: clinical testing. Allele origin: germline. Inheritance: Autosomal dominant inheritance. Affected: yes.
Comment: The DYNC1H1 variant c.7938dup, p.Gly2647Trpfs*18 creates a shift in the reading frame at position 2647, introducing a premature stop codon 18 amino acids downstream. This is predicted to result in a loss or disruption of normal protein function through non-sense mediated decay (NMD) or protein truncation. The mechanism of disease is not clearly established yet, and both missense and truncating variants have been reported in the literature associated with DYNC1H1-related disorders (ClinGen Curation ID: CCID:004713). This variant is not observed in the gnomAD v4.1.0 dataset and has not been previously described in the literature. It is classified as a variant of uncertain significance (class 3) according to the recommendations of ACMG/AMP/ClinGen SVI guidelines.

3billion
Classification: Likely pathogenic for DYNC1H1-related disorder. Last evaluated: 2025-11-18. Review status: criteria provided, single submitter. Criteria: ACMG Guidelines, 2015. Collection method: clinical testing. Allele origin: germline. Affected: yes.
Comment: The variant is not observed in the gnomAD v4.1.0 dataset. Predicted Consequence/Location: Frameshift: predicted to result in a loss or disruption of normal protein function through nonsense-mediated decay (NMD) or protein truncation. Multiple pathogenic variants are reported downstream of the variant. Therefore, this variant is classified as Likely pathogenic according to the recommendation of ACMG/AMP guideline.